The following is an entry in ClinVar:

NM_201384.3(PLEC):c.8970G>C (p.Arg2990Ser)

Gene: PLEC (plectin; minus strand). Cytogenetic location: 8q24.3.
Variant type: single nucleotide variant.
Coding change: c.8970G>C on transcript NM_201384.3 (MANE Select); coding-DNA position 8970, G replaced by C.
Protein change: p.Arg2990Ser; replaces arginine 2990 with serine.
Molecular consequence: missense variant.
Genome position (GRCh38, 1-based): chr8:143,920,851, C>G on the plus strand (G>C on the coding strand, the complement: PLEC is on the minus strand). VCF-style: chr8-143920851-C-G. GRCh37 (hg19) VCF-style: chr8-144995019-C-G.
Other names: p.Arg3017Ser; c.9051G>C, p.Arg3017Ser (NM_000445.5); c.5670G>C, p.Arg1890Ser (NM_001410941.1); c.8928G>C, p.Arg2976Ser (NM_201378.4); c.8904G>C, p.Arg2968Ser (NM_201379.3); c.9381G>C, p.Arg3127Ser (NM_201380.4); c.8874G>C, p.Arg2958Ser (NM_201381.3); c.8970G>C, p.Arg2990Ser (NM_201382.4); and 1 more; short protein forms R2968S, R3127S, R2976S, R2990S, R1890S, R2958S, R2994S, R3017S.
Identifiers: ClinVar variation 2621547 (VCV002621547.3), dbSNP rs1355314625, ClinGen allele CA372514576.

ClinVar aggregate classification (germline): Uncertain significance. Review status: criteria provided, multiple submitters, no conflicts (2 of 4 stars). 2 submissions from 2 submitters: Uncertain significance (2). Last evaluated 2025-11-29.

Conditions:
Inborn genetic diseases. Identifiers: MedGen C0950123, MeSH D030342.

Allele frequency attached by ClinVar (database versions not stated): gnomAD 0.00001.
gnomAD v4.1: 10 of 1,609,690 alleles (0.00062%); highest among the groups gnomAD compares: Non-Finnish European, 0.00085%; no homozygotes.

Submissions (2):

Mayo Clinic Laboratories, Mayo Clinic
Classification: Uncertain significance. Last evaluated: 2025-11-29. Review status: criteria provided, single submitter. Criteria: ACMG Guidelines, 2015. Collection method: clinical testing. Allele origin: germline. Observed: 1 variant allele.
Comment: BP4_moderate

Ambry Genetics
Classification: Uncertain significance for Inborn genetic diseases. Last evaluated: 2023-08-28. Review status: criteria provided, single submitter. Criteria: Ambry Variant Classification Scheme 2023. Collection method: clinical testing. Allele origin: germline.